The following is an entry in ClinVar:

NM_014140.4(SMARCAL1):c.313C>T (p.Pro105Ser)

Gene: SMARCAL1 (SNF2 related chromatin remodeling annealing helicase 1; plus strand). Cytogenetic location: 2q35.
Variant type: single nucleotide variant.
Coding change: c.313C>T on transcript NM_014140.4 (MANE Select); coding-DNA position 313, C replaced by T.
Protein change: p.Pro105Ser; replaces proline 105 with serine.
Molecular consequence: missense variant.
Genome position (GRCh38, 1-based): chr2:216,415,017, C>T. VCF-style: chr2-216415017-C-T. GRCh37 (hg19) VCF-style: chr2-217279740-C-T.
Other names: c.313C>T, p.Pro105Ser (NM_001127207.2); short protein forms P105S.
Identifiers: ClinVar variation 1980897 (VCV001980897.3), dbSNP rs372708949, ClinGen allele CA2097578.

ClinVar aggregate classification (germline): Uncertain significance (1 of 4 stars; one submission).

Conditions:
Schimke immuno-osseous dysplasia (SIOD). Also called: Schimke Immunoosseous Dysplasia. Identifiers: Orphanet 1830, MedGen C0877024, MONDO:0009458, OMIM 242900.

Allele frequency attached by ClinVar (database versions not stated): ExAC 0.00001; gnomAD 0.00001; TOPMed 0.00001; ESP Exome Variant Server 0.00008.
gnomAD v4.1: 1 of 1,613,988 alleles (0.000062%); highest among the groups gnomAD compares: Non-Finnish European, 0.000085%; no homozygotes.

Submission:

Labcorp Genetics (formerly Invitae), Labcorp
Classification: Uncertain significance for Schimke immuno-osseous dysplasia. Last evaluated: 2025-08-18. Review status: criteria provided, single submitter. Criteria: Invitae Variant Classification Sherloc (09022015). Collection method: clinical testing. Allele origin: germline.
Comment: This sequence change replaces proline, which is neutral and non-polar, with serine, which is neutral and polar, at codon 105 of the SMARCAL1 protein (p.Pro105Ser). This variant is present in population databases (rs372708949, gnomAD 0.0009%). This variant has not been reported in the literature in individuals affected with SMARCAL1-related conditions. ClinVar contains an entry for this variant (Variation ID: 1980897). Invitae Evidence Modeling of protein sequence and biophysical properties (such as structural, functional, and spatial information, amino acid conservation, physicochemical variation, residue mobility, and thermodynamic stability) indicates that this missense variant is not expected to disrupt SMARCAL1 protein function with a negative predictive value of 95%. In summary, the available evidence is currently insufficient to determine the role of this variant in disease. Therefore, it has been classified as a Variant of Uncertain Significance.